The following is an entry in ClinVar:

NM_138459.5(NUS1):c.478C>G (p.Leu160Val)

Gene: NUS1 (NUS1 dehydrodolichyl diphosphate synthase subunit; plus strand). Cytogenetic location: 6q22.1.
Variant type: single nucleotide variant.
Coding change: c.478C>G on transcript NM_138459.5 (MANE Select); coding-DNA position 478, C replaced by G.
Protein change: p.Leu160Val; replaces leucine 160 with valine.
Molecular consequence: missense variant.
Genome position (GRCh38, 1-based): chr6:117,693,104, C>G. VCF-style: chr6-117693104-C-G. GRCh37 (hg19) VCF-style: chr6-118014267-C-G.
Other names: short protein forms L160V.
Identifiers: ClinVar variation 3255026 (VCV003255026.1), dbSNP rs1562179045.
Genomic context (GRCh38, chr6:117,693,104, plus strand): 5'-ATTTTCAAAAGAAATAATTCCAGATTGATGGATGAAATTTTAAAACAACAGCAAGAACTT[C>G]TGGGCCTAGATTGTTCAAAATACTCACCAGAATTTGCAAATAGTAATGACAAAGATGATC-3'
Protein context (NP_612468.1, residues 150-170): DEILKQQQEL[Leu160Val]GLDCSKYSPE

ClinVar aggregate classification (germline): Uncertain significance (1 of 4 stars; one submission).

Conditions:
Intellectual developmental disorder, autosomal dominant 55, with seizures. Also called: MENTAL RETARDATION, AUTOSOMAL DOMINANT 55, WITH SEIZURES; Intellectual disability, autosomal dominant 55, with seizures. Identifiers: MedGen C4693371, MONDO:0030921, OMIM 617831.

gnomAD v4.1: 2 of 1,611,460 alleles (0.00012%); highest among the groups gnomAD compares: Non-Finnish European, 0.00017%; no homozygotes.

Submission:

Victorian Clinical Genetics Services, Murdoch Childrens Research Institute
Classification: Uncertain significance for Intellectual developmental disorder, autosomal dominant 55, with seizures. Last evaluated: 2023-12-21. Review status: criteria provided, single submitter. Criteria: ACMG Guidelines, 2015. Collection method: clinical testing. Allele origin: germline. Inheritance: Autosomal dominant inheritance. Affected: yes.
Comment: Based on the classification scheme VCGS_Germline_v1.3.4, this variant is classified as VUS-3B. Following criteria are met: 0102 - Loss of function is a known mechanism of disease in this gene and is associated with intellectual disability, autosomal dominant 55, with seizures (MIM#617831). (I) 0107 - This gene is associated with autosomal dominant disease. There is emerging evidence is an association to recessive congenital disorder of glycosylation, type 1aa (MIM#617082)), however, this association is not yet established (PanelApp). (I) 0200 - Variant is predicted to result in a missense amino acid change from leucine to valine. (I) 0251 - This variant is heterozygous. (I) 0301 - Variant is absent from gnomAD (both v2 and v3). (SP) 0502 - Missense variant with conflicting in silico predictions and uninformative conservation. (I) 0604 - Variant is not located in an established domain, motif, hotspot or informative constraint region. (I) 0705 - No comparable missense variants have previous evidence for pathogenicity. (I) 0807 - This variant has no previous evidence of pathogenicity. (I) 0905 - No published segregation evidence has been identified for this variant. (I) 1007 - No published functional evidence has been identified for this variant. (I) 1207 - Parental origin of the variant is unresolved. (I) Legend: (SP) - Supporting pathogenic, (I) - Information, (SB) - Supporting benign